The following is an entry in ClinVar:

NM_003590.5(CUL3):c.383G>T (p.Arg128Leu)

Gene: CUL3 (cullin 3; minus strand). Cytogenetic location: 2q36.2.
Variant type: single nucleotide variant.
Coding change: c.383G>T on transcript NM_003590.5 (MANE Select); coding-DNA position 383, G replaced by T.
Protein change: p.Arg128Leu; replaces arginine 128 with leucine.
Molecular consequence: missense variant.
Genome position (GRCh38, 1-based): chr2:224,514,768, C>A on the plus strand (G>T on the coding strand, the complement: CUL3 is on the minus strand). VCF-style: chr2-224514768-C-A. GRCh37 (hg19) VCF-style: chr2-225379485-C-A.
Other names: c.185G>T, p.Arg62Leu (NM_001257197.2); c.401G>T, p.Arg134Leu (NM_001257198.2); short protein forms R128L, R134L, R62L.
Identifiers: ClinVar variation 3342644 (VCV003342644.2).
Genomic context (GRCh38, chr2:224,514,768, plus strand): 5'-CGAAAAATAATTAATCCCAAATTGTAGACGTTCTCCACATTATTTTGTTGTACATACACA[C>A]GGTCCTACAGTTAAAGTCATATAAATATGAGTACAGTTCTTGTGAGCATAATAATTATTG-3'
Protein context (NP_003581.1, residues 118-138): MIRDILMYMD[Arg128Leu]VYVQQNNVEN

ClinVar aggregate classification (germline): Likely pathogenic (1 of 4 stars; one submission).

Submission:

GeneDx
Classification: Likely pathogenic. Last evaluated: 2026-05-08. Review status: criteria provided, single submitter. Criteria: GeneDx Variant Classification Process June 2021. Collection method: clinical testing. Allele origin: germline.
Comment: Not observed at significant frequency in large population cohorts (gnomAD); In silico analysis supports that this missense variant has a deleterious effect on protein structure/function; Has not been previously published as pathogenic or benign to our knowledge